The following is an entry in ClinVar:

NM_014225.6(PPP2R1A):c.1661+5G>A

Genes: PPP2R1A (protein phosphatase 2 scaffold subunit Aalpha; plus strand), LOC126862924 (BRD4-independent group 4 enhancer GRCh37_chr19:52724813-52726012; plus strand). Cytogenetic location: 19q13.41.
Variant type: single nucleotide variant.
Coding change: c.1661+5G>A on transcript NM_014225.6 (MANE Select); 5 bases into the intron after coding-DNA position 1661, G replaced by A.
Molecular consequence: intron variant.
Genome position (GRCh38, 1-based): chr19:52,222,246, G>A. VCF-style: chr19-52222246-G-A. GRCh37 (hg19) VCF-style: chr19-52725499-G-A.
Other names: c.1124+5G>A (NM_001363656.2).
Identifiers: ClinVar variation 2629631 (VCV002629631.3), dbSNP rs1978982927, ClinGen allele CA508639181.

ClinVar aggregate classification (germline): Uncertain significance. Review status: criteria provided, multiple submitters, no conflicts (2 of 4 stars). 2 submissions from 2 submitters: Uncertain significance (2). Last evaluated 2025-01-27.

Conditions:
PPP2R1A-related disorder.

Allele frequency attached by ClinVar (database versions not stated): TOPMed below 0.00001.

Submissions (2):

Labcorp Genetics (formerly Invitae), Labcorp
Classification: Uncertain significance. Last evaluated: 2025-01-27. Review status: criteria provided, single submitter. Criteria: Invitae Variant Classification Sherloc (09022015). Collection method: clinical testing. Allele origin: germline.
Comment: This sequence change falls in intron 13 of the PPP2R1A gene. It does not directly change the encoded amino acid sequence of the PPP2R1A protein. It affects a nucleotide within the consensus splice site. This variant is not present in population databases (gnomAD no frequency). This variant has not been reported in the literature in individuals affected with PPP2R1A-related conditions. ClinVar contains an entry for this variant (Variation ID: 2629631). Variants that disrupt the consensus splice site are a relatively common cause of aberrant splicing (PMID: 17576681, 9536098). Algorithms developed to predict the effect of sequence changes on RNA splicing suggest that this variant is not likely to affect RNA splicing. In summary, the available evidence is currently insufficient to determine the role of this variant in disease. Therefore, it has been classified as a Variant of Uncertain Significance.

PreventionGenetics, part of Exact Sciences
Classification: Uncertain significance for PPP2R1A-related condition. Last evaluated: 2023-01-11. Review status: criteria provided, single submitter. Criteria: ACMG Guidelines, 2015. Collection method: clinical testing. Allele origin: germline.
Comment: The PPP2R1A c.1661+5G>A variant is predicted to interfere with splicing. To our knowledge, this variant has not been reported in the literature or in a large population database, indicating this variant is rare. At this time, the clinical significance of this variant is uncertain due to the absence of conclusive functional and genetic evidence.

Literature cited by the submitters: PubMed 17576681 (cited by Labcorp Genetics (formerly Invitae), Labcorp); PubMed 9536098 (cited by Labcorp Genetics (formerly Invitae), Labcorp).